The following is an entry in ClinVar:

ClinVar aggregate classification (germline): Likely benign. Review status: criteria provided, multiple submitters, no conflicts (2 of 4 stars). 2 submissions from 2 submitters: Likely benign (2). Last evaluated 2025-09-04.

Conditions:
Charcot-Marie-Tooth disease, type I (CMT1). Also called: Charcot-Marie-Tooth disease type 1; Charcot-Marie-Tooth, Type 1. Identifiers: Orphanet 65753, MedGen C0751036, MONDO:0019011.

Allele frequency attached by ClinVar (database versions not stated): gnomAD 0.00001.
gnomAD v4.1: 5 of 1,568,954 alleles (0.00032%); highest among the groups gnomAD compares: Non-Finnish European, 0.00034%; no homozygotes.

Submissions (2):

Mayo Clinic Laboratories, Mayo Clinic
Classification: Likely benign. Last evaluated: 2025-09-04. Review status: criteria provided, single submitter. Criteria: ACMG Guidelines, 2015. Collection method: clinical testing. Allele origin: germline. Observed: 1 variant allele.
Comment: BP4, BP7

Labcorp Genetics (formerly Invitae), Labcorp
Classification: Likely benign for Charcot-Marie-Tooth disease, type I. Last evaluated: 2025-02-27. Review status: criteria provided, single submitter. Criteria: Invitae Variant Classification Sherloc (09022015). Collection method: clinical testing. Allele origin: germline.

NM_000399.5(EGR2):c.1414C>A (p.Arg472=)

Gene: EGR2 (early growth response 2; minus strand). Cytogenetic location: 10q21.3.
Variant type: single nucleotide variant.
Coding change: c.1414C>A on transcript NM_000399.5 (MANE Select); coding-DNA position 1414, C replaced by A.
Protein change: p.Arg472=; no amino-acid change (arginine 472 retained).
Molecular consequence: synonymous variant.
Genome position (GRCh38, 1-based): chr10:62,813,224, G>T on the plus strand (C>A on the coding strand, the complement: EGR2 is on the minus strand). VCF-style: chr10-62813224-G-T. GRCh37 (hg19) VCF-style: chr10-64572984-G-T.
Other names: p.Arg472=; c.1414C>A, p.Arg472= (NM_001136177.3, NM_001136178.2); c.1264C>A, p.Arg422= (NM_001136179.3, NM_001321037.2); c.1453C>A, p.Arg485= (NM_001410931.1).
Identifiers: ClinVar variation 2741870 (VCV002741870.4), dbSNP rs1353824847, ClinGen allele CA469996499.